The following is an entry in ClinVar:

NM_000238.4(KCNH2):c.1664G>A (p.Cys555Tyr)

Gene: KCNH2 (potassium voltage-gated channel subfamily H member 2; minus strand). Cytogenetic location: 7q36.1.
Variant type: single nucleotide variant.
Coding change: c.1664G>A on transcript NM_000238.4 (MANE Select); coding-DNA position 1664, G replaced by A.
Protein change: p.Cys555Tyr; replaces cysteine 555 with tyrosine.
Molecular consequence: missense variant.
Genome position (GRCh38, 1-based): chr7:150,951,729, C>T on the plus strand (G>A on the coding strand, the complement: KCNH2 is on the minus strand). VCF-style: chr7-150951729-C-T. GRCh37 (hg19) VCF-style: chr7-150648817-C-T.
Other names: c.644G>A, p.Cys215Tyr (NM_001204798.2, NM_172057.3); c.1376G>A, p.Cys459Tyr (NM_001406753.1, NM_001406756.1); c.1487G>A, p.Cys496Tyr (NM_001406755.1); c.1364G>A, p.Cys455Tyr (NM_001406757.1); c.1664G>A, p.Cys555Tyr (NM_172056.3); short protein forms C215Y, C555Y, C496Y, C455Y, C459Y.
Identifiers: ClinVar variation 372574 (VCV000372574.7), dbSNP rs1057517866, ClinGen allele CA16042572.
Genomic context (GRCh38, chr7:150,951,729, plus strand): 5'-TCCATGTTGCCGATGGCGTACCAGATGCAGGCTAGCCAGTGCGCGATGAGCGCAAAGGTG[C>T]ACATGAGCAAGAACAGCACGGCCGCGCCGTACTCTGAGTAGCGATCCAGCTTCCGCGCCA-3'
Protein context (NP_000229.1, residues 545-565): YGAAVLFLLM[Cys555Tyr]TFALIAHWLA

ClinVar aggregate classification (germline): Conflicting classifications of pathogenicity. Review status: criteria provided, conflicting classifications (1 of 4 stars). 2 submissions from 2 submitters: Likely pathogenic (1); Uncertain significance (1). Last evaluated 2022-04-10.

Conditions:
Long QT syndrome (LQTS). Identifiers: MedGen C0023976, MeSH D008133, MONDO:0002442. Disease mechanism: loss of function. Inheritance: Various modes of inheritance.

Submissions (2):

Labcorp Genetics (formerly Invitae), Labcorp
Classification: Uncertain significance for Long QT syndrome. Last evaluated: 2022-04-10. Review status: criteria provided, single submitter. Criteria: Invitae Variant Classification Sherloc (09022015). Collection method: clinical testing. Allele origin: germline.
Comment: In summary, the available evidence is currently insufficient to determine the role of this variant in disease. Therefore, it has been classified as a Variant of Uncertain Significance. Algorithms developed to predict the effect of missense changes on protein structure and function are either unavailable or do not agree on the potential impact of this missense change (SIFT: "Deleterious"; PolyPhen-2: "Probably Damaging"; Align-GVGD: "Class C0"). ClinVar contains an entry for this variant (Variation ID: 372574). This variant has not been reported in the literature in individuals affected with KCNH2-related conditions. This variant is not present in population databases (gnomAD no frequency). This sequence change replaces cysteine, which is neutral and slightly polar, with tyrosine, which is neutral and polar, at codon 555 of the KCNH2 protein (p.Cys555Tyr).

GeneDx
Classification: Likely pathogenic. Last evaluated: 2016-05-18. Review status: criteria provided, single submitter. Criteria: GeneDx Variant Classification (06012015). Collection method: clinical testing. Allele origin: germline. Affected: yes.
Comment: The C555Y variant has not been publishedas a pathogenic variant, nor has it been reported as a benign variant to our knowledge. The C555Yvariant was not observed in approximately 6,500 individuals of European and African Americanancestry in the NHLBI Exome Sequencing Project, indicating it is not a common benign variant inthese populations. The C555Y variant is a non-conservative amino acid substitution, which is likely toimpact secondary protein structure as these residues differ in polarity, charge, size and/or otherproperties. This substitution occurs at a position that is conserved across species. In silico analysispredicts this variant is probably damaging to the protein structure/function. Finally, the C555Y variantis located in the S5 helical transmembrane domain. Therefore, this variant is likely pathogenic.